The following is an entry in ClinVar:

ClinVar aggregate classification (germline): Uncertain significance (1 of 4 stars; one submission).

Submission:

GeneDx
Classification: Uncertain significance. Last evaluated: 2024-12-11. Review status: criteria provided, single submitter. Criteria: GeneDx Variant Classification Process June 2021. Collection method: clinical testing. Allele origin: germline. Affected: yes.
Comment: Not observed at significant frequency in large population cohorts (gnomAD); In silico analysis supports that this missense variant has a deleterious effect on protein structure/function; Has not been previously published as pathogenic or benign to our knowledge

NM_005909.5(MAP1B):c.6590A>G (p.His2197Arg)

Gene: MAP1B (microtubule associated protein 1B; plus strand). Cytogenetic location: 5q13.2.
Variant type: single nucleotide variant.
Coding change: c.6590A>G on transcript NM_005909.5 (MANE Select); coding-DNA position 6590, A replaced by G.
Protein change: p.His2197Arg; replaces histidine 2197 with arginine.
Molecular consequence: missense variant.
Genome position (GRCh38, 1-based): chr5:72,199,945, A>G. VCF-style: chr5-72199945-A-G. GRCh37 (hg19) VCF-style: chr5-71495772-A-G.
Other names: c.6212A>G, p.His2071Arg (NM_001324255.2); short protein forms H2071R, H2197R.
Identifiers: ClinVar variation 3902948 (VCV003902948.1).
Genomic context (GRCh38, chr5:72,199,945, plus strand): 5'-ATATCGACTCTGAAGACGAGTCGGAAACCATCCCCACAGACAAAACTGTCACGTACAAAC[A>G]CATGGACCCACCTCCAGCTCCCGTGCAAGACCGCAGCCCTTCGCCACGCCACCCTGATGT-3'
Protein context (NP_005900.2, residues 2187-2207): IPTDKTVTYK[His2197Arg]MDPPPAPVQD